The following is an entry in ClinVar:

ClinVar aggregate classification (germline): Likely benign (0 of 4 stars; one submission).

Conditions:
TMEM132D-related disorder. Also called: TMEM132D-related condition.

Allele frequency attached by ClinVar (database versions not stated): TOPMed 0.00003; gnomAD exomes 0.00004; ExAC 0.00005; gnomAD 0.00005.
gnomAD v4.1: 63 of 1,577,530 alleles (0.004%); highest among the groups gnomAD compares: Non-Finnish European, 0.0053%; no homozygotes.

Submission:

PreventionGenetics, part of Exact Sciences
Classification: Likely benign for TMEM132D-related condition. Last evaluated: 2019-07-23. Review status: no assertion criteria provided. Collection method: clinical testing. Allele origin: germline.
Comment: This variant is classified as likely benign based on ACMG/AMP sequence variant interpretation guidelines (Richards et al. 2015 PMID: 25741868, with internal and published modifications).

NM_133448.3(TMEM132D):c.3258A>G (p.Lys1086=)

Gene: TMEM132D (transmembrane protein 132D; minus strand). Cytogenetic location: 12q24.33.
Variant type: single nucleotide variant.
Coding change: c.3258A>G on transcript NM_133448.3 (MANE Select); coding-DNA position 3258, A replaced by G.
Protein change: p.Lys1086=; no amino-acid change (lysine 1086 retained).
Molecular consequence: synonymous variant.
Genome position (GRCh38, 1-based): chr12:129,073,917, T>C on the plus strand (A>G on the coding strand, the complement: TMEM132D is on the minus strand). VCF-style: chr12-129073917-T-C. GRCh37 (hg19) VCF-style: chr12-129558462-T-C.
Identifiers: ClinVar variation 3049441 (VCV003049441.2), dbSNP rs758753338, ClinGen allele CA6875627.